The following is an entry in ClinVar:

NM_032108.4(SEMA6B):c.388G>T (p.Val130Leu)

Gene: SEMA6B (semaphorin 6B; minus strand). Cytogenetic location: 19p13.3.
Variant type: single nucleotide variant.
Coding change: c.388G>T on transcript NM_032108.4 (MANE Select); coding-DNA position 388, G replaced by T.
Protein change: p.Val130Leu; replaces valine 130 with leucine.
Molecular consequence: missense variant.
Genome position (GRCh38, 1-based): chr19:4,556,071, C>A on the plus strand (G>T on the coding strand, the complement: SEMA6B is on the minus strand). VCF-style: chr19-4556071-C-A. GRCh37 (hg19) VCF-style: chr19-4556083-C-A.
Other names: short protein forms V130L.
Identifiers: ClinVar variation 2582083 (VCV002582083.1), dbSNP rs1261989006, ClinGen allele CA403469436.
Genomic context (GRCh38, chr19:4,556,071, plus strand): 5'-TGAAGGCGTTGGAACCGCACACAAAGAGCGTGGACTCGTCCCGAAGGAGCAGCACCTTTA[C>A]GAAGTTTCGACACTCGCCCTGAGGTGGGGACAGGAGGAAGCGGGGAGCGCGATGTGGGCG-3'
Protein context (NP_115484.2, residues 120-140): GKQEGECRNF[Val130Leu]KVLLLRDEST

ClinVar aggregate classification (germline): Uncertain significance (1 of 4 stars; one submission).

Submission:

GeneDx
Classification: Uncertain significance. Last evaluated: 2023-03-22. Review status: criteria provided, single submitter. Criteria: GeneDx Variant Classification Process June 2021. Collection method: clinical testing. Allele origin: germline. Affected: yes.
Comment: Not observed at significant frequency in large population cohorts (gnomAD); In silico analysis supports that this missense variant has a deleterious effect on protein structure/function and on splicing; Has not been previously published as pathogenic or benign to our knowledge